The following is an entry in ClinVar:

NM_000330.4(RS1):c.176G>C (p.Cys59Ser)

Gene: RS1 (retinoschisin 1; minus strand). Cytogenetic location: Xp22.13.
Variant type: single nucleotide variant.
Coding change: c.176G>C on transcript NM_000330.4 (MANE Select); coding-DNA position 176, G replaced by C.
Protein change: p.Cys59Ser; replaces cysteine 59 with serine.
Molecular consequence: missense variant.
Genome position (GRCh38, 1-based): chrX:18,656,661, C>G on the plus strand (G>C on the coding strand, the complement: RS1 is on the minus strand). VCF-style: chrX-18656661-C-G. GRCh37 (hg19) VCF-style: chrX-18674781-C-G.
Other names: NM_000330.4:c.176G>C; short protein forms C59S.
Identifiers: ClinVar variation 3899905 (VCV003899905.1).
Genomic context (GRCh38, chrX:18,656,661, plus strand): 5'-GAAATGGGGTGTTCCCAATGACTGTTCCATCCCAAGGACAGGGGATACTCACCTGGTATA[C>G]AGTCCAAGGAGGTGGCACCTGCAGACCACAGAGCATTGGGTCCTCCTTGGCAATCGCACT-3'
Protein context (NP_000321.1, residues 49-69): LWSAGATSLD[Cys59Ser]IPECPYHKPL

ClinVar aggregate classification (germline): Pathogenic (3 of 4 stars; one submission).

Conditions:
Juvenile retinoschisis (RS1). Also called: X-Linked Juvenile Retinoschisis; X-linked retinoschisis. Identifiers: Orphanet 792, MedGen C3714753, MONDO:0010725, OMIM 312700.

Submission:

ClinGen X-linked Inherited Retinal Disease Variant Curation Expert Panel, ClinGen
Classification: Pathogenic for Juvenile retinoschisis. Last evaluated: 2025-05-19. Review status: reviewed by expert panel. Criteria: ClinGen X LinkedIRD ACMG Specifications RS1 V1.0.0. Collection method: curation. Allele origin: germline. Inheritance: X-linked inheritance.
Comment: The NM_000330.4(RS1):c.176G>C variant is a missense variant encoding the substitution of Cysteine with Serine at position 59 and results in the disruption of the disulfide bridge between amino acids Cys59 and Cys223. This variant is absent from hemizygous individuals in gnomAD v4.1.0 (PM2_Supporting). The computational predictor REVEL gives a score of 0.878, which is within the ClinGen X-linked IRD VCEP range between 0.931 to 0.773 and predicts a damaging effect on RS1 function (PP3_moderate). The computational splicing predictor SpliceAI gives a delta score of 0.00 for all predictive splice changes, which is below the ClinGen X-linked IRD VCEP threshold of >0.2 and does not predict that the variant disrupts RS1 splicing. A missense variant encoding the same amino acid substitution, NM_000330.4(RS1):c.175T>A (p.Cys59Ser), (PMIDs: 35982512, 9618178, 17987333, 10450864) has been classified as pathogenic for X-linked retinoschisis by the ClinGen X-linked IRD VCEP, while no benign missense variants have been identified in this codon. SpliceAI has been used to confirm that neither variant has a predicted impact on RS1 splicing (PS1). This variant, p.Cys59Ser, of the RS1 gene, is defined as a critical amino acid residue involved in disulfide bridge formation by the ClinGen X-linked IRD VCEP (PMIDs: 26812435). The PM1_strong code is ineligible to be combined with PP3 at any strength, therefore, the PM1 code was not met. HEK293 or COS7 cells exogenously expressing the variant exhibit loss of RS1 secretion into the medium relative to the wild-type control. Moreover, exogenously expressed RS1 harboring the variant exhibits aberrant immunofluorescent localization of RS1 to the ER/Golgi relative to the wild-type control. Exogenously expressed RS1 harboring the variant was subjected to co-assembly and successful secretion and exhibits defective oligomerization indicating no formation of octomers (PMID: 12746437, 17525175, 19849666, 22245536, 26812435, PS3_supporting). At least one proband harboring this variant exhibits a phenotype including appearance of schisis and reduced visual acuity before age 13 years, which together are specific for X-linked retinoschisis (PMID: 23288992, PP4). This variant has been reported in at least another 2 apparently unrelated probands carrying this variant and diagnosed with X-linked retinoschisis (PMIDs: 35456481, 34645606, PS4_supporting). In summary, this variant is classified as pathogenic for X-linked retinoschisis based on the ClinGen X-linked Inherited Retinal Disease Expert Panel Specifications to the ACMG/AMP Variant Interpretation Guidelines for RS1 Version 1.0.0: PM2_supporting, PP3_moderate, PS1, PS3_supporting, PS4_supporting, and PP4 (date of approval 01/24/2025).

Literature cited by the submitters: PubMed 19849666; PubMed 12746437.